The following is an entry in ClinVar:

ClinVar aggregate classification (germline): Pathogenic (0 of 4 stars; one submission).

Conditions:
LMX1B-related disorder. Also called: LMX1B-related condition.

Submission:

PreventionGenetics, part of Exact Sciences
Classification: Pathogenic for LMX1B-related condition. Last evaluated: 2024-04-10. Review status: no assertion criteria provided. Collection method: clinical testing. Allele origin: germline.
Comment: The LMX1B c.340A>T variant is predicted to result in premature protein termination (p.Lys114*). To our knowledge, this variant has not been reported in the literature or in a large population database, indicating this variant is rare. Nonsense variants in LMX1B are expected to be pathogenic. This variant is interpreted as pathogenic.

NM_001174147.2(LMX1B):c.340A>T (p.Lys114Ter)

Gene: LMX1B (LIM homeobox transcription factor 1 beta; plus strand). Cytogenetic location: 9q33.3.
Variant type: single nucleotide variant.
Coding change: c.340A>T on transcript NM_001174147.2 (MANE Select); coding-DNA position 340, A replaced by T.
Protein change: p.Lys114Ter; replaces lysine 114 with a stop codon.
Molecular consequence: nonsense.
Genome position (GRCh38, 1-based): chr9:126,690,849, A>T. VCF-style: chr9-126690849-A-T. GRCh37 (hg19) VCF-style: chr9-129453128-A-T.
Other names: c.340A>T, p.Lys114Ter (NM_001174146.2, NM_002316.4); short protein forms K114*.
Identifiers: ClinVar variation 3054352 (VCV003054352.2), dbSNP rs2490682241, ClinGen allele CA374912102.
Genomic context (GRCh38, chr9:126,690,849, plus strand): 5'-GAGGGACTTCTGAGCACCGCCAACACGCCCGCTTTGTGCATCCGCAGGCTCTTCGCGGCC[A>T]AGTGCAGCGGCTGCATGGAGAAGATCGCCCCCACCGAGTTCGTGATGCGGGCGCTGGAGT-3'